The following is an entry in ClinVar:

NM_001379500.1(COL18A1):c.1343_1351dup (p.Pro448_Pro450dup)

Gene: COL18A1 (collagen type XVIII alpha 1 chain; plus strand). Cytogenetic location: 21q22.3.
Variant type: Duplication.
Coding change: c.1343_1351dup on transcript NM_001379500.1 (MANE Select); coding-DNA positions 1343 to 1351, 9 bases duplicated (CAGGACCCC; older notation c.1343_1351dupCAGGACCCC).
Protein change: p.Pro448_Pro450dup.
Molecular consequence: inframe insertion.
Genome position (GRCh38, 1-based): chr21:45,480,101-45,480,109, CAGGACCCC duplicated; duplicating any 9 consecutive bases within chr21:45,480,097-45,480,109 gives the same sequence; the c. name uses the placement nearest the transcript's 3' end. VCF-style (leftmost placement, unchanged base first): chr21-45480096-G-GCCCCCAGGA. GRCh37 (hg19) VCF-style: chr21-46900010-G-GCCCCCAGGA.
Other names: NM_130445.2:c.1343_1351dup; c.1883_1891dup, p.Pro628_Pro630dup (NM_030582.4); c.2588_2596dup, p.Pro863_Pro865dup (NM_130444.3); c.1883_1891dup9 (NM_030582.3).
Identifiers: ClinVar variation 447113 (VCV000447113.9), dbSNP rs775305174, ClinGen allele CA10066265.

ClinVar aggregate classification (germline): Conflicting classifications of pathogenicity. Review status: criteria provided, conflicting classifications (1 of 4 stars). 4 submissions from 4 submitters: Uncertain significance (3); Likely benign (1). Last evaluated 2026-03-12.

Conditions:
COL18A1-related disorder. Also called: COL18A1-related condition; COL18A1-related disorders.

Submissions (4):

PreventionGenetics, part of Exact Sciences
Classification: Uncertain significance for COL18A1-related condition. Last evaluated: 2026-03-12. Review status: criteria provided, single submitter. Criteria: ACMG Guidelines, 2015. Collection method: clinical testing. Allele origin: germline.
Comment: The COL18A1 c.1883_1891dup9 variant is predicted to result in an in-frame duplication (p.Pro628_Pro630dup). To our knowledge, this variant has not been reported in the literature in association with COL18A1-related disease. This variant is reported in 0.095% of alleles in individuals of European (Non-Finnish) descent in gnomAD, which may be too frequent to be a primary cause of disease. Although we suspect that this variant may be benign, at this time, the clinical significance of this variant is uncertain due to the absence of conclusive functional and genetic evidence.

Labcorp Genetics (formerly Invitae), Labcorp
Classification: Uncertain significance. Last evaluated: 2026-02-02. Review status: criteria provided, single submitter. Criteria: Invitae Variant Classification Sherloc (09022015). Collection method: clinical testing. Allele origin: germline.
Comment: This variant, c.1343_1351dup, results in the insertion of 3 amino acid(s) of the COL18A1 protein (p.Pro448_Pro450dup), but otherwise preserves the integrity of the reading frame. This variant is present in population databases (rs775305174, gnomAD 0.1%), and has an allele count higher than expected for a pathogenic variant. This variant has been observed in individual(s) with clinical features of Knobloch syndrome (PMID: 35253627). This variant is also known as ca.1883_1891dup (p.Pro628_Pro630dup). ClinVar contains an entry for this variant (Variation ID: 447113). Experimental studies and prediction algorithms are not available or were not evaluated, and the functional significance of this variant is currently unknown. In summary, the available evidence is currently insufficient to determine the role of this variant in disease. Therefore, it has been classified as a Variant of Uncertain Significance.

Blueprint Genetics
Classification: Likely benign. Last evaluated: 2024-10-02. Review status: criteria provided, single submitter. Criteria: ACMG Guidelines, 2015. Collection method: clinical testing. Allele origin: germline.

Athena Diagnostics
Classification: Uncertain significance. Last evaluated: 2016-10-18. Review status: criteria provided, single submitter. Criteria: Athena Diagnostics Criteria. Collection method: clinical testing. Allele origin: germline.

Literature cited by the submitters: PubMed 35253627 (cited by Labcorp Genetics (formerly Invitae), Labcorp).